The following is an entry in ClinVar:

NM_001127511.3(APC):c.-134T>G

Gene: APC (APC regulator of Wnt signaling pathway; plus strand). Cytogenetic location: 5q22.2.
Variant type: single nucleotide variant.
Coding change: c.-134T>G on transcript NM_001127511.3; 134 bases upstream of the start codon, T replaced by G.
Molecular consequence: 5 prime UTR variant. On other transcripts: non-coding transcript variant (2).
Genome position (GRCh38, 1-based): chr5:112,707,584, T>G. VCF-style: chr5-112707584-T-G. GRCh37 (hg19) VCF-style: chr5-112043281-T-G.
Other names: c.-317T>G (NM_001354895.2, NM_001407447.1, NM_001407452.1 and 3 more transcripts); c.-134T>G (NM_001354897.2, NM_001354902.2, NM_001407446.1); c.-84T>G (NM_001407448.1, NM_001407450.1, NM_001407457.1 and 1 more transcripts); c.-108T>G (NM_001407453.1); c.-1352T>G (NM_001407470.1, NM_001407472.1).
Identifiers: ClinVar variation 2797442 (VCV002797442.3), dbSNP rs963346102, ClinGen allele CA2674863542.

ClinVar aggregate classification (germline): Uncertain significance (1 of 4 stars; one submission).

Conditions:
Familial adenomatous polyposis 1 (FAP1). Also called: FAMILIAL ADENOMATOUS POLYPOSIS 1, ATTENUATED; POLYPOSIS, ADENOMATOUS INTESTINAL. Identifiers: MedGen C2713442, MONDO:0021056, OMIM 175100. Disease mechanism: loss of function.

Submission:

Labcorp Genetics (formerly Invitae), Labcorp
Classification: Uncertain significance for Familial adenomatous polyposis 1. Last evaluated: 2023-06-27. Review status: criteria provided, single submitter. Criteria: Invitae Variant Classification Sherloc (09022015). Collection method: clinical testing. Allele origin: germline.
Comment: In summary, the available evidence is currently insufficient to determine the role of this variant in disease. Therefore, it has been classified as a Variant of Uncertain Significance. Experimental studies and prediction algorithms are not available or were not evaluated, and the functional significance of this variant is currently unknown. This variant has not been reported in the literature in individuals affected with APC-related conditions. This variant is not present in population databases (gnomAD no frequency). This variant occurs in a non-coding region of the APC gene. It does not change the encoded amino acid sequence of the APC protein.